The following is an entry in ClinVar:

ClinVar aggregate classification (germline): Uncertain significance (1 of 4 stars; one submission).

Conditions:
Hereditary pheochromocytoma and paraganglioma. Also called: Hereditary pheochromocytoma-paraganglioma; Hereditary Paraganglioma-Pheochromocytoma Syndromes; Hereditary paragangliomas and pheochromocytomas. Identifiers: Orphanet 29072, MedGen C4274332, MONDO:0017366.

gnomAD v4.1: 5 of 1,614,080 alleles (0.00031%); highest among the groups gnomAD compares: Middle Eastern, 0.017%; no homozygotes.

Submission:

Labcorp Genetics (formerly Invitae), Labcorp
Classification: Uncertain significance for Hereditary pheochromocytoma and paraganglioma. Last evaluated: 2025-09-16. Review status: criteria provided, single submitter. Criteria: Invitae Variant Classification Sherloc (09022015). Collection method: clinical testing. Allele origin: germline.
Comment: This sequence change replaces arginine, which is basic and polar, with glycine, which is neutral and non-polar, at codon 75 of the SDHAF2 protein (p.Arg75Gly). This variant is present in population databases (no rsID available, gnomAD 0.003%). This variant has not been reported in the literature in individuals affected with SDHAF2-related conditions. An algorithm developed to predict the effect of missense changes on protein structure and function (PolyPhen-2) suggests that this variant is likely to be disruptive. In summary, the available evidence is currently insufficient to determine the role of this variant in disease. Therefore, it has been classified as a Variant of Uncertain Significance.

NM_017841.4(SDHAF2):c.223A>G (p.Arg75Gly)

Gene: SDHAF2 (succinate dehydrogenase complex assembly factor 2; plus strand). Cytogenetic location: 11q12.2.
Variant type: single nucleotide variant.
Coding change: c.223A>G on transcript NM_017841.4 (MANE Select); coding-DNA position 223, A replaced by G.
Protein change: p.Arg75Gly; replaces arginine 75 with glycine.
Molecular consequence: missense variant.
Genome position (GRCh38, 1-based): chr11:61,437,811, A>G. VCF-style: chr11-61437811-A-G. GRCh37 (hg19) VCF-style: chr11-61205283-A-G.
Other names: short protein forms R75G.
Identifiers: ClinVar variation 4701796 (VCV004701796.1).